The following is an entry in ClinVar:

ClinVar aggregate classification (germline): Uncertain significance (1 of 4 stars; one submission).

Conditions:
Tuberous sclerosis 2 (TSC2). Identifiers: Orphanet 805, MedGen C1860707, MONDO:0013199, OMIM 613254.

Submission:

Labcorp Genetics (formerly Invitae), Labcorp
Classification: Uncertain significance for Tuberous sclerosis 2. Last evaluated: 2021-12-24. Review status: criteria provided, single submitter. Criteria: Invitae Variant Classification Sherloc (09022015). Collection method: clinical testing. Allele origin: germline.
Comment: In summary, the available evidence is currently insufficient to determine the role of this variant in disease. Therefore, it has been classified as a Variant of Uncertain Significance. Experimental studies and prediction algorithms are not available or were not evaluated, and the functional significance of this variant is currently unknown. This variant has not been reported in the literature in individuals affected with TSC2-related conditions. This variant is not present in population databases (gnomAD no frequency). This variant, c.3734_3745del, results in the deletion of 4 amino acid(s) of the TSC2 protein (p.Arg1245_Ala1248del), but otherwise preserves the integrity of the reading frame.

NM_000548.5(TSC2):c.3734_3745del (p.Arg1245_Ala1248del)

Gene: TSC2 (TSC complex subunit 2; plus strand). Cytogenetic location: 16p13.3.
Variant type: Deletion.
Coding change: c.3734_3745del on transcript NM_000548.5 (MANE Select); coding-DNA positions 3734 to 3745, 12 bases deleted (GGGACACAGCCC).
Protein change: p.Arg1245_Ala1248del.
Molecular consequence: inframe deletion. On other transcripts: inframe indel (32).
Genome position (GRCh38, 1-based): chr16:2,081,718-2,081,729, GGGACACAGCCC deleted; deleting any 12 consecutive bases within chr16:2,081,716-2,081,729 gives the same sequence; the c. name uses the placement nearest the transcript's 3' end. VCF-style (leftmost placement, unchanged base first): chr16-2081715-ACCGGGACACAGC-A. GRCh37 (hg19) VCF-style: chr16-2131716-ACCGGGACACAGC-A.
Other names: c.3602_3613del, p.Arg1201_Ala1204del (NM_001077183.3, NM_001370404.1); c.3734_3745del, p.Arg1245_Ala1248del (NM_001114382.3); c.3494_3505del, p.Arg1165_Ala1168del (NM_001318827.2); c.3458_3469del, p.Arg1153_Ala1156del (NM_001318829.2); c.3002_3013del, p.Arg1001_Ala1004del (NM_001318831.2); c.3635_3646del, p.Arg1212_Ala1215del (NM_001318832.2); c.3605_3616del, p.Arg1202_Ala1205del (NM_001363528.2, NM_001370405.1, NM_021055.3); c.3731_3742delGGGACACAGCCC, p.Arg1244_Ala1247del (NM_001406663.1, NM_001406664.1); and 20 more.
Identifiers: ClinVar variation 2059361 (VCV002059361.4), dbSNP rs2544158769, ClinGen allele CA2580091024.